The following is an entry in ClinVar:

ClinVar aggregate classification (germline): Uncertain significance (1 of 4 stars; one submission).

gnomAD v4.1: 2 of 1,206,160 alleles (0.00017%); highest among the groups gnomAD compares: African/African-American, 0.0017%; no homozygotes.

Submission:

GeneDx
Classification: Uncertain significance. Last evaluated: 2024-04-15. Review status: criteria provided, single submitter. Criteria: GeneDx Variant Classification Process June 2021. Collection method: clinical testing. Allele origin: germline. Affected: yes.
Comment: Not observed at significant frequency in large population cohorts (gnomAD); In silico analysis indicates that this missense variant does not alter protein structure/function; Has not been previously published as pathogenic or benign to our knowledge

NM_001111125.3(IQSEC2):c.1211C>T (p.Ala404Val)

Gene: IQSEC2 (IQ motif and Sec7 domain ArfGEF 2; minus strand). Cytogenetic location: Xp11.22.
Variant type: single nucleotide variant.
Coding change: c.1211C>T on transcript NM_001111125.3 (MANE Select); coding-DNA position 1211, C replaced by T.
Protein change: p.Ala404Val; replaces alanine 404 with valine.
Molecular consequence: missense variant.
Genome position (GRCh38, 1-based): chrX:53,254,720, G>A on the plus strand (C>T on the coding strand, the complement: IQSEC2 is on the minus strand). VCF-style: chrX-53254720-G-A. GRCh37 (hg19) VCF-style: chrX-53283902-G-A.
Other names: c.1211C>T, p.Ala404Val (NM_001410736.1); c.596C>T, p.Ala199Val (NM_015075.2); short protein forms A199V, A404V.
Identifiers: ClinVar variation 3372574 (VCV003372574.1).
Genomic context (GRCh38, chrX:53,254,720, plus strand): 5'-TGGCTCCGGGCACCAGCCATGGCACCCTCGTCCAGCGAGGCAGGCTTGCCCTCGAAGTAC[G>A]CGGGGTTCTGTGCCTTCTCATACTCCTCAAAGGAGAACTGCATCCGCATGTTGGAAAGGA-3'
Protein context (NP_001104595.1, residues 394-414): FEEYEKAQNP[Ala404Val]YFEGKPASLD